The following is an entry in ClinVar:

ClinVar aggregate classification (germline): Uncertain significance (1 of 4 stars; one submission).

Allele frequency attached by ClinVar (database versions not stated): gnomAD exomes below 0.00001; TOPMed below 0.00001; gnomAD 0.00001.
gnomAD v4.1: 7 of 1,603,604 alleles (0.00044%); highest among the groups gnomAD compares: South Asian, 0.0022%; 1 homozygote.

Submission:

GeneDx
Classification: Uncertain significance. Last evaluated: 2023-01-17. Review status: criteria provided, single submitter. Criteria: GeneDx Variant Classification Process June 2021. Collection method: clinical testing. Allele origin: germline. Affected: yes.
Comment: In silico analysis supports that this missense variant has a deleterious effect on protein structure/function; Has not been previously published as pathogenic or benign to our knowledge

NM_001197104.2(KMT2A):c.257C>T (p.Ser86Leu)

Gene: KMT2A (lysine methyltransferase 2A; plus strand). Cytogenetic location: 11q23.3.
Variant type: single nucleotide variant.
Coding change: c.257C>T on transcript NM_001197104.2 (MANE Select); coding-DNA position 257, C replaced by T.
Protein change: p.Ser86Leu; replaces serine 86 with leucine.
Molecular consequence: missense variant.
Genome position (GRCh38, 1-based): chr11:118,436,769, C>T. VCF-style: chr11-118436769-C-T. GRCh37 (hg19) VCF-style: chr11-118307484-C-T.
Other names: c.257C>T, p.Ser86Leu (NM_005933.4); short protein forms S86L.
Identifiers: ClinVar variation 1308476 (VCV001308476.3), dbSNP rs1343124835, ClinGen allele CA382797900.